The following is an entry in ClinVar:

NM_007194.4(CHEK2):c.107del (p.Gln36fs)

Gene: CHEK2 (checkpoint kinase 2; minus strand). Cytogenetic location: 22q12.1.
Variant type: Deletion.
Coding change: c.107del on transcript NM_007194.4 (MANE Select); coding-DNA position 107, one base deleted (A; older notation c.107delA).
Protein change: p.Gln36fs; shifts the reading frame from glutamine 36.
Molecular consequence: frameshift variant.
Genome position (GRCh38, 1-based): chr22:28,734,615, T deleted on the plus strand (A on the coding strand, the reverse complement: CHEK2 is on the minus strand). VCF-style (leftmost placement, unchanged base first): chr22-28734614-CT-C. GRCh37 (hg19) VCF-style: chr22-29130602-CT-C.
Other names: c.107delA, p.Gln36Argfs (NM_001005735.3, NM_001349956.3, NM_145862.3); c.-671delA (NM_001257387.3); short protein forms Q36fs.
Identifiers: ClinVar variation 2116199 (VCV002116199.5), dbSNP rs2518133313, ClinGen allele CA2580099446.
Genomic context (GRCh38, chr22:28,734,614, plus strand): 5'-GCTGGAGTGAGAGGACTGGCTGGAGTTTGGCATCGTGCTGGTAGAGGAGCTGGATATGCC[CT>C]GGGACTGTGAGGAGGAGCCTTGGGACTGGGTAACGCTGCCATGGGGCTGTGAACAGGCAC-3'

ClinVar aggregate classification (germline): Pathogenic. Review status: criteria provided, multiple submitters, no conflicts (2 of 4 stars). 2 submissions from 2 submitters: Pathogenic (2). Last evaluated 2022-05-30.

Conditions:
Familial cancer of breast. Also called: BREAST CANCER, FAMILIAL; Hereditary breast cancer; hereditary breast carcinoma. Identifiers: Orphanet 227535, MedGen C0346153, MONDO:0016419, OMIM 114480. Disease mechanism: loss of function.
CHEK2-related cancer predisposition (TPDS4). Also called: TUMOR PREDISPOSITION SYNDROME 4; CANCER PREDISPOSITION SYNDROME, CHEK2-RELATED; CHEK2-related cancer susceptibility. Identifiers: Orphanet 524, MedGen C5882668, MONDO:0700271, OMIM 609265.
Familial prostate cancer. Also called: Hereditary Prostate Cancer. Identifiers: MedGen C2931456, MONDO:0700275, OMIM 176807.
Bone osteosarcoma. Also called: Osteosarcoma, somatic. Identifiers: Orphanet 668, MedGen C0585442, MONDO:0002629, OMIM 259500.

Allele frequency attached by ClinVar (database versions not stated): gnomAD exomes below 0.00001.

Submissions (2):

Labcorp Genetics (formerly Invitae), Labcorp
Classification: Pathogenic for Familial cancer of breast. Last evaluated: 2022-05-30. Review status: criteria provided, single submitter. Criteria: Invitae Variant Classification Sherloc (09022015). Collection method: clinical testing. Allele origin: germline.
Comment: For these reasons, this variant has been classified as Pathogenic. This variant has not been reported in the literature in individuals affected with CHEK2-related conditions. This variant is not present in population databases (gnomAD no frequency). This sequence change creates a premature translational stop signal (p.Gln36Argfs*25) in the CHEK2 gene. It is expected to result in an absent or disrupted protein product. Loss-of-function variants in CHEK2 are known to be pathogenic (PMID: 21876083, 24713400).

Department of Pathology and Laboratory Medicine, Sinai Health System
Classification: Pathogenic for Familial prostate cancer; Bone osteosarcoma; CHEK2-related cancer predisposition. Last evaluated: 2020-05-14. Review status: criteria provided, single submitter. Criteria: ACMG Guidelines, 2015. Collection method: clinical testing. Allele origin: germline.

Literature cited by the submitters: PubMed 21876083 (cited by Labcorp Genetics (formerly Invitae), Labcorp); PubMed 24713400 (cited by Labcorp Genetics (formerly Invitae), Labcorp).